The following is an entry in ClinVar:

ClinVar aggregate classification (germline): Uncertain significance (1 of 4 stars; one submission).

Allele frequency attached by ClinVar (database versions not stated): gnomAD 0.00008; 1000 Genomes Project 0.00020; TOPMed 0.00006; ESP Exome Variant Server 0.00015; 1000 Genomes Project 30x 0.00016; ExAC 0.00006; gnomAD exomes 0.00008 and 0.00011.
gnomAD v4.1: 173 of 1,614,138 alleles (0.011%); highest among the groups gnomAD compares: Non-Finnish European, 0.014%; no homozygotes.

Submission:

Labcorp Genetics (formerly Invitae), Labcorp
Classification: Uncertain significance. Last evaluated: 2024-09-10. Review status: criteria provided, single submitter. Criteria: Invitae Variant Classification Sherloc (09022015). Collection method: clinical testing. Allele origin: germline.
Comment: This sequence change affects codon 560 of the TUB mRNA. It is a 'silent' change, meaning that it does not change the encoded amino acid sequence of the TUB protein. This variant is present in population databases (rs199733844, gnomAD 0.01%). This variant has not been reported in the literature in individuals affected with TUB-related conditions. ClinVar contains an entry for this variant (Variation ID: 852339). Algorithms developed to predict the effect of sequence changes on RNA splicing suggest that this variant may create or strengthen a splice site. In summary, the available evidence is currently insufficient to determine the role of this variant in disease. Therefore, it has been classified as a Variant of Uncertain Significance.

NM_177972.3(TUB):c.1515C>T (p.Cys505=)

Genes: RIC3 (RIC3 acetylcholine receptor chaperone; minus strand), TUB (TUB bipartite transcription factor; plus strand). Cytogenetic location: 11p15.4.
Variant type: single nucleotide variant.
Coding change: c.1515C>T on transcript NM_177972.3 (MANE Select); coding-DNA position 1515, C replaced by T.
Protein change: p.Cys505=; no amino-acid change (cysteine 505 retained).
Molecular consequence: synonymous variant.
Genome position (GRCh38, 1-based): chr11:8,101,613, C>T. VCF-style: chr11-8101613-C-T. GRCh37 (hg19) VCF-style: chr11-8123160-C-T.
Other names: c.1680C>T, p.Cys560= (NM_003320.5).
Identifiers: ClinVar variation 852339 (VCV000852339.9), dbSNP rs199733844, ClinGen allele CA5871535.